The following is an entry in ClinVar:

NM_007272.3(CTRC):c.86G>T (p.Arg29Leu)

Gene: CTRC (chymotrypsin C; plus strand). Cytogenetic location: 1p36.21.
Variant type: single nucleotide variant.
Coding change: c.86G>T on transcript NM_007272.3 (MANE Select); coding-DNA position 86, G replaced by T.
Protein change: p.Arg29Leu; replaces arginine 29 with leucine.
Molecular consequence: missense variant.
Genome position (GRCh38, 1-based): chr1:15,440,345, G>T. VCF-style: chr1-15440345-G-T. GRCh37 (hg19) VCF-style: chr1-15766841-G-T.
Other names: short protein forms R29L.
Identifiers: ClinVar variation 1163624 (VCV001163624.7), dbSNP rs772024986, ClinGen allele CA338564592.
Genomic context (GRCh38, chr1:15,440,345, plus strand): 5'-CTCCTGTCTCCCCAGCCTCCAGCTGTGGGGTGCCCAGCTTCCCGCCCAACCTATCCGCCC[G>T]AGTGGTGGGAGGAGAGGATGCCCGGCCCCACAGCTGGCCCTGGCAGGTAAGCCTGTGTAG-3'
Protein context (NP_009203.2, residues 19-39): VPSFPPNLSA[Arg29Leu]VVGGEDARPH

ClinVar aggregate classification (germline): Uncertain significance. Review status: criteria provided, multiple submitters, no conflicts (2 of 4 stars). 2 submissions from 2 submitters: Uncertain significance (2). Last evaluated 2023-07-29.

Conditions:
Hereditary pancreatitis (PCTT). Also called: Hereditary chronic pancreatitis; PRSS1-Related Hereditary Pancreatitis. Identifiers: Orphanet 676, MedGen C0238339, MONDO:0008185, OMIM 167800.

Submissions (2):

Ambry Genetics
Classification: Uncertain significance for Hereditary pancreatitis. Last evaluated: 2023-07-29. Review status: criteria provided, single submitter. Criteria: Ambry Variant Classification Scheme 2023. Collection method: clinical testing. Allele origin: germline.
Comment: The p.R29L variant (also known as c.86G>T), located in coding exon 2 of the CTRC gene, results from a G to T substitution at nucleotide position 86. The arginine at codon 29 is replaced by leucine, an amino acid with dissimilar properties. This amino acid position is conserved. In addition, this alteration is predicted to be deleterious by in silico analysis. Since supporting evidence is limited at this time, the clinical significance of this alteration remains unclear.

Mayo Clinic Laboratories, Mayo Clinic
Classification: Uncertain significance. Last evaluated: 2020-02-21. Review status: criteria provided, single submitter. Criteria: ACMG Guidelines, 2015. Collection method: clinical testing. Allele origin: germline. Observed: 1 variant allele.